The following is an entry in ClinVar:

ClinVar aggregate classification (germline): Uncertain significance (1 of 4 stars; one submission).

gnomAD v4.1: 2 of 1,614,176 alleles (0.00012%); highest among the groups gnomAD compares: Non-Finnish European, 0.00017%; no homozygotes.

Submission:

GeneDx
Classification: Uncertain significance. Last evaluated: 2024-04-02. Review status: criteria provided, single submitter. Criteria: GeneDx Variant Classification Process June 2021. Collection method: clinical testing. Allele origin: germline. Affected: yes.
Comment: Not observed at significant frequency in large population cohorts (gnomAD); In silico analysis supports that this missense variant has a deleterious effect on protein structure/function; Has not been previously published as pathogenic or benign to our knowledge

NM_003238.6(TGFB2):c.190C>T (p.Pro64Ser)

Gene: TGFB2 (transforming growth factor beta 2; plus strand). Cytogenetic location: 1q41.
Variant type: single nucleotide variant.
Coding change: c.190C>T on transcript NM_003238.6 (MANE Select); coding-DNA position 190, C replaced by T.
Protein change: p.Pro64Ser; replaces proline 64 with serine.
Molecular consequence: missense variant. On other transcripts: non-coding transcript variant (2).
Genome position (GRCh38, 1-based): chr1:218,346,891, C>T. VCF-style: chr1-218346891-C-T. GRCh37 (hg19) VCF-style: chr1-218520233-C-T.
Other names: c.190C>T, p.Pro64Ser (NM_001135599.4); short protein forms P64S.
Identifiers: ClinVar variation 3371880 (VCV003371880.1).